The following is an entry in ClinVar:

NM_020949.3(SLC7A14):c.673T>C (p.Trp225Arg)

Genes: SLC7A14 (solute carrier family 7 member 14; minus strand), SLC7A14-AS1 (SLC7A14 antisense RNA 1; plus strand). Cytogenetic location: 3q26.2.
Variant type: single nucleotide variant.
Coding change: c.673T>C on transcript NM_020949.3 (MANE Select); coding-DNA position 673, T replaced by C.
Protein change: p.Trp225Arg; replaces tryptophan 225 with arginine.
Molecular consequence: missense variant.
Genome position (GRCh38, 1-based): chr3:170,498,753, A>G on the plus strand (T>C on the coding strand, the complement: SLC7A14 is on the minus strand). VCF-style: chr3-170498753-A-G. GRCh37 (hg19) VCF-style: chr3-170216542-A-G.
Other names: short protein forms W225R.
Identifiers: ClinVar variation 2081329 (VCV002081329.4), dbSNP rs2473392042, ClinGen allele CA355515080.
Genomic context (GRCh38, chr3:170,498,753, plus strand): 5'-GGCCCTCCGCCCAGTATTTCCCATTGATGAAGAAGAGGCCTGCGATCATGATGAACACCC[A>G]TACTGCCAGGTTCAGCACATTGAGAACATTGTTGAAGCCTATGGAATTCTTCACCCCCAG-3'
Protein context (NP_066000.2, residues 215-235): NVLNVLNLAV[Trp225Arg]VFIMIAGLFF

ClinVar aggregate classification (germline): Uncertain significance (1 of 4 stars; one submission).

gnomAD v4.1: 5 of 1,614,208 alleles (0.00031%); highest among the groups gnomAD compares: Non-Finnish European, 0.00042%; no homozygotes.

Submission:

Labcorp Genetics (formerly Invitae), Labcorp
Classification: Uncertain significance. Last evaluated: 2024-02-24. Review status: criteria provided, single submitter. Criteria: Invitae Variant Classification Sherloc (09022015). Collection method: clinical testing. Allele origin: germline.
Comment: This sequence change replaces tryptophan, which is neutral and slightly polar, with arginine, which is basic and polar, at codon 225 of the SLC7A14 protein (p.Trp225Arg). This variant is not present in population databases (gnomAD no frequency). This variant has not been reported in the literature in individuals affected with SLC7A14-related conditions. ClinVar contains an entry for this variant (Variation ID: 2081329). An algorithm developed to predict the effect of missense changes on protein structure and function (PolyPhen-2) suggests that this variant is likely to be disruptive. In summary, the available evidence is currently insufficient to determine the role of this variant in disease. Therefore, it has been classified as a Variant of Uncertain Significance.